The following is an entry in ClinVar:

NM_004817.4(TJP2):c.520A>G (p.Ser174Gly)

Gene: TJP2 (tight junction protein 2; plus strand). Cytogenetic location: 9q21.11.
Variant type: single nucleotide variant.
Coding change: c.520A>G on transcript NM_004817.4 (MANE Select); coding-DNA position 520, A replaced by G.
Protein change: p.Ser174Gly; replaces serine 174 with glycine.
Molecular consequence: missense variant.
Genome position (GRCh38, 1-based): chr9:69,221,064, A>G. VCF-style: chr9-69221064-A-G. GRCh37 (hg19) VCF-style: chr9-71835980-A-G.
Other names: c.451A>G, p.Ser151Gly (NM_001170414.2, NM_001369870.1, NM_001369871.1); c.532A>G, p.Ser178Gly (NM_001170415.1, NM_001369874.1, NM_001369875.1); c.613A>G, p.Ser205Gly (NM_001170416.2); c.520A>G, p.Ser174Gly (NM_001369872.1, NM_001369873.1, NM_201629.3); short protein forms S151G, S174G, S178G, S205G.
Identifiers: ClinVar variation 2013523 (VCV002013523.4), dbSNP rs2538446911, ClinGen allele CA373528378.
Genomic context (GRCh38, chr9:69,221,064, plus strand): 5'-GGCTACAGCGAGAGGAGCCGGCTGAACAGCCATGGGGGGCGCAGCCGCAGCTGGGAGGAC[A>G]GCCCGGAAAGGGGGCGTCCCCATGAGCGGGCCCGGAGCCGGGAGCGGGACCTCAGCCGGG-3'
Protein context (NP_004808.2, residues 164-184): HGGRSRSWED[Ser174Gly]PERGRPHERA

ClinVar aggregate classification (germline): Uncertain significance (1 of 4 stars; one submission).

Submission:

Labcorp Genetics (formerly Invitae), Labcorp
Classification: Uncertain significance. Last evaluated: 2022-07-03. Review status: criteria provided, single submitter. Criteria: Invitae Variant Classification Sherloc (09022015). Collection method: clinical testing. Allele origin: germline.
Comment: In summary, the available evidence is currently insufficient to determine the role of this variant in disease. Therefore, it has been classified as a Variant of Uncertain Significance. Algorithms developed to predict the effect of missense changes on protein structure and function are either unavailable or do not agree on the potential impact of this missense change (SIFT: "Deleterious"; PolyPhen-2: "Benign"; Align-GVGD: "Class C0"). This variant has not been reported in the literature in individuals affected with TJP2-related conditions. This variant is not present in population databases (gnomAD no frequency). This sequence change replaces serine, which is neutral and polar, with glycine, which is neutral and non-polar, at codon 174 of the TJP2 protein (p.Ser174Gly).